The following is an entry in ClinVar:

NM_001319074.4(RAX2):c.400C>T (p.Arg134Cys)

Gene: RAX2 (retina and anterior neural fold homeobox 2; minus strand). Cytogenetic location: 19p13.3.
Variant type: single nucleotide variant.
Coding change: c.400C>T on transcript NM_001319074.4 (MANE Select); coding-DNA position 400, C replaced by T.
Protein change: p.Arg134Cys; replaces arginine 134 with cysteine.
Molecular consequence: missense variant.
Genome position (GRCh38, 1-based): chr19:3,770,776, G>A on the plus strand (C>T on the coding strand, the complement: RAX2 is on the minus strand). VCF-style: chr19-3770776-G-A. GRCh37 (hg19) VCF-style: chr19-3770774-G-A.
Other names: c.400C>T, p.Arg134Cys (NM_032753.4); c.400C>T (NM_032753.3); short protein forms R134C.
Identifiers: ClinVar variation 1926098 (VCV001926098.6), dbSNP rs941526473, ClinGen allele CA304416686.

ClinVar aggregate classification (germline): Uncertain significance. Review status: criteria provided, multiple submitters, no conflicts (2 of 4 stars). 2 submissions from 2 submitters: Uncertain significance (2). Last evaluated 2025-05-05.

Allele frequency attached by ClinVar (database versions not stated): gnomAD 0.00001; TOPMed 0.00001.

Submissions (2):

Labcorp Genetics (formerly Invitae), Labcorp
Classification: Uncertain significance. Last evaluated: 2025-05-05. Review status: criteria provided, single submitter. Criteria: Invitae Variant Classification Sherloc (09022015). Collection method: clinical testing. Allele origin: germline.
Comment: This sequence change replaces arginine, which is basic and polar, with cysteine, which is neutral and slightly polar, at codon 134 of the RAX2 protein (p.Arg134Cys). This variant is present in population databases (no rsID available, gnomAD 0.01%). This variant has not been reported in the literature in individuals affected with RAX2-related conditions. ClinVar contains an entry for this variant (Variation ID: 1926098). An algorithm developed to predict the effect of missense changes on protein structure and function outputs the following: PolyPhen-2: "Benign". The cysteine amino acid residue is found in multiple mammalian species, which suggests that this missense change does not adversely affect protein function. In summary, the available evidence is currently insufficient to determine the role of this variant in disease. Therefore, it has been classified as a Variant of Uncertain Significance.

Ambry Genetics
Classification: Uncertain significance. Last evaluated: 2024-10-19. Review status: criteria provided, single submitter. Criteria: Ambry Variant Classification Scheme 2023. Collection method: clinical testing. Allele origin: germline.